The following is an entry in ClinVar:

ClinVar aggregate classification (germline): Conflicting classifications of pathogenicity. Review status: criteria provided, conflicting classifications (1 of 4 stars). 2 submissions from 2 submitters: Uncertain significance (1); Likely benign (1). Last evaluated 2025-03-05.

Conditions:
Cardiomyopathy (CMYO). Also called: Cardiomyopathies. Identifiers: Orphanet 167848, MedGen C0878544, MONDO:0004994, HP:0001638. Inheritance: Various modes of inheritance.
Arrhythmogenic right ventricular dysplasia 5. Also called: Arrhythmogenic Right Ventricular Dysplasia/Cardiomyopathy 5; ARRHYTHMOGENIC RIGHT VENTRICULAR DYSPLASIA, FAMILIAL, 5. Identifiers: MedGen C1858379, MONDO:0011459, OMIM 604400.

Allele frequency attached by ClinVar (database versions not stated): gnomAD 0.00001; TOPMed 0.00002.
gnomAD v4.1: 5 of 1,612,604 alleles (0.00031%); highest among the groups gnomAD compares: African/African-American, 0.004%; no homozygotes.

Submissions (2):

Labcorp Genetics (formerly Invitae), Labcorp
Classification: Uncertain significance for Arrhythmogenic right ventricular dysplasia 5. Last evaluated: 2025-03-05. Review status: criteria provided, single submitter. Criteria: Invitae Variant Classification Sherloc (09022015). Collection method: clinical testing. Allele origin: germline.
Comment: This sequence change falls in intron 9 of the TMEM43 gene. It does not directly change the encoded amino acid sequence of the TMEM43 protein. It affects a nucleotide within the consensus splice site. This variant is present in population databases (no rsID available, gnomAD 0.008%). This variant has not been reported in the literature in individuals affected with TMEM43-related conditions. ClinVar contains an entry for this variant (Variation ID: 920932). Variants that disrupt the consensus splice site are a relatively common cause of aberrant splicing (PMID: 17576681, 9536098). Algorithms developed to predict the effect of sequence changes on RNA splicing suggest that this variant is not likely to affect RNA splicing. In summary, the available evidence is currently insufficient to determine the role of this variant in disease. Therefore, it has been classified as a Variant of Uncertain Significance.

Color Diagnostics, LLC DBA Color Health
Classification: Likely benign for Cardiomyopathy. Last evaluated: 2020-01-24. Review status: criteria provided, single submitter. Criteria: ACMG Guidelines, 2015. Collection method: clinical testing. Allele origin: germline.

Literature cited by the submitters: PubMed 17576681 (cited by Labcorp Genetics (formerly Invitae), Labcorp); PubMed 9536098 (cited by Labcorp Genetics (formerly Invitae), Labcorp).

NM_024334.3(TMEM43):c.781-3C>T

Gene: TMEM43 (transmembrane protein 43; plus strand). Cytogenetic location: 3p25.1.
Variant type: single nucleotide variant.
Coding change: c.781-3C>T on transcript NM_024334.3 (MANE Select); 3 bases into the intron before coding-DNA position 781, C replaced by T.
Molecular consequence: intron variant.
Genome position (GRCh38, 1-based): chr3:14,135,804, C>T. VCF-style: chr3-14135804-C-T. GRCh37 (hg19) VCF-style: chr3-14177304-C-T.
Identifiers: ClinVar variation 920932 (VCV000920932.11), dbSNP rs780142044, ClinGen allele CA541297088.